The following is an entry in ClinVar:

ClinVar aggregate classification (germline): Uncertain significance (1 of 4 stars; one submission).

Submission:

GeneDx
Classification: Uncertain significance. Last evaluated: 2025-07-19. Review status: criteria provided, single submitter. Criteria: GeneDx Variant Classification Process June 2021. Collection method: clinical testing. Allele origin: germline. Affected: yes.
Comment: Not observed at significant frequency in large population cohorts (gnomAD); In silico analysis supports that this missense variant has a deleterious effect on protein structure/function; Has not been previously published as pathogenic or benign to our knowledge

NM_198407.2(GHSR):c.143C>A (p.Ala48Asp)

Gene: GHSR (growth hormone secretagogue receptor; minus strand). Cytogenetic location: 3q26.31.
Variant type: single nucleotide variant.
Coding change: c.143C>A on transcript NM_198407.2 (MANE Select); coding-DNA position 143, C replaced by A.
Protein change: p.Ala48Asp; replaces alanine 48 with aspartic acid.
Molecular consequence: missense variant.
Genome position (GRCh38, 1-based): chr3:172,448,271, G>T on the plus strand (C>A on the coding strand, the complement: GHSR is on the minus strand). VCF-style: chr3-172448271-G-T. GRCh37 (hg19) VCF-style: chr3-172166061-G-T.
Other names: c.143C>A, p.Ala48Asp (NM_004122.2); short protein forms A48D.
Identifiers: ClinVar variation 4686497 (VCV004686497.1).
Genomic context (GRCh38, chr3:172,448,271, plus strand): 5'-ACCACCAGCATGGTGAGCAGGTTGCCAGCGATGCCCACCACGAAGAGTGCCACGCAGGTG[G>T]CTGTGACGCCCGCCAGCAGCGGCGCGGGGAAGAGCTGCAGCAGCTCGTCGCCCAGCGAGT-3'
Protein context (NP_940799.1, residues 38-58): FPAPLLAGVT[Ala48Asp]TCVALFVVGI